The following is an entry in ClinVar:

ClinVar aggregate classification (germline): Uncertain significance (1 of 4 stars; one submission).

Conditions:
Cenani-Lenz syndactyly syndrome. Also called: CENANI SYNDACTYLISM; SYNDACTYLY, TYPE VII. Identifiers: Orphanet 3258, MedGen C1859309, MONDO:0008931, OMIM 212780.
Sclerosteosis 2 (SOST2). Identifiers: Orphanet 3152, MedGen C3280402, MONDO:0013679, OMIM 614305.
Congenital myasthenic syndrome 17. Identifiers: Orphanet 590, MedGen C4225377, MONDO:0014578, OMIM 616304.

Submission:

Labcorp Genetics (formerly Invitae), Labcorp
Classification: Uncertain significance for Cenani-Lenz syndactyly syndrome; Sclerosteosis 2; Congenital myasthenic syndrome 17. Last evaluated: 2022-03-19. Review status: criteria provided, single submitter. Criteria: Invitae Variant Classification Sherloc (09022015). Collection method: clinical testing. Allele origin: germline.
Comment: This variant is not present in population databases (gnomAD no frequency). In summary, the available evidence is currently insufficient to determine the role of this variant in disease. Therefore, it has been classified as a Variant of Uncertain Significance. Algorithms developed to predict the effect of missense changes on protein structure and function are either unavailable or do not agree on the potential impact of this missense change (SIFT: "Deleterious"; PolyPhen-2: "Benign"; Align-GVGD: "Class C0"). This variant has not been reported in the literature in individuals affected with LRP4-related conditions. This sequence change replaces asparagine, which is neutral and polar, with isoleucine, which is neutral and non-polar, at codon 359 of the LRP4 protein (p.Asn359Ile).

NM_002334.4(LRP4):c.1076A>T (p.Asn359Ile)

Gene: LRP4 (LDL receptor related protein 4; minus strand). Cytogenetic location: 11p11.2.
Variant type: single nucleotide variant.
Coding change: c.1076A>T on transcript NM_002334.4 (MANE Select); coding-DNA position 1076, A replaced by T.
Protein change: p.Asn359Ile; replaces asparagine 359 with isoleucine.
Molecular consequence: missense variant.
Genome position (GRCh38, 1-based): chr11:46,895,991, T>A on the plus strand (A>T on the coding strand, the complement: LRP4 is on the minus strand). VCF-style: chr11-46895991-T-A. GRCh37 (hg19) VCF-style: chr11-46917542-T-A.
Other names: short protein forms N359I.
Identifiers: ClinVar variation 2112400 (VCV002112400.4), dbSNP rs2539769672, ClinGen allele CA380287429.
Genomic context (GRCh38, chr11:46,895,991, plus strand): 5'-GTACACTGCACTGCCCCCCGCACCATCTGGCACTTCTGGGCACAGCCACCGTTGTTAACA[T>A]TGCAGTTCTCCTCACCCGTCCGGGGCCCTGTGCCAGCCAAGCCAGAGTTGGGAGTTGAGC-3'
Protein context (NP_002325.2, residues 349-369): CRPRTGEENC[Asn359Ile]VNNGGCAQKC